The following is an entry in ClinVar:

NM_000049.4(ASPA):c.499A>G (p.Thr167Ala)

Genes: ASPA (aspartoacylase; plus strand), SPATA22 (spermatogenesis associated 22; minus strand). Cytogenetic location: 17p13.2.
Variant type: single nucleotide variant.
Coding change: c.499A>G on transcript NM_000049.4 (MANE Select); coding-DNA position 499, A replaced by G.
Protein change: p.Thr167Ala; replaces threonine 167 with alanine.
Molecular consequence: missense variant. On other transcripts: intron variant (2).
Genome position (GRCh38, 1-based): chr17:3,483,565, A>G. VCF-style: chr17-3483565-A-G. GRCh37 (hg19) VCF-style: chr17-3386859-A-G.
Other names: c.499A>G, p.Thr167Ala (NM_001128085.1); c.-73-14167T>C (NM_001321336.2, NM_001321337.2); short protein forms T167A.
Identifiers: ClinVar variation 2164089 (VCV002164089.1), dbSNP rs2543624624, ClinGen allele CA397682813.

ClinVar aggregate classification (germline): Uncertain significance (1 of 4 stars; one submission).

Conditions:
Spongy degeneration of central nervous system. Also called: ACY2 DEFICIENCY; AMINOACYLASE 2 DEFICIENCY; ASP DEFICIENCY; ASPA DEFICIENCY; ASPARTOACYLASE DEFICIENCY; CANAVAN-VAN BOGAERT-BERTRAND DISEASE. Identifiers: Orphanet 141, MedGen C0206307, MONDO:0010079, OMIM 271900.

Submission:

Labcorp Genetics (formerly Invitae), Labcorp
Classification: Uncertain significance for Spongy degeneration of central nervous system. Last evaluated: 2022-09-26. Review status: criteria provided, single submitter. Criteria: Invitae Variant Classification Sherloc (09022015). Collection method: clinical testing. Allele origin: germline.
Comment: This sequence change replaces threonine, which is neutral and polar, with alanine, which is neutral and non-polar, at codon 167 of the ASPA protein (p.Thr167Ala). This variant is not present in population databases (gnomAD no frequency). This variant has not been reported in the literature in individuals affected with ASPA-related conditions. Advanced modeling of protein sequence and biophysical properties (such as structural, functional, and spatial information, amino acid conservation, physicochemical variation, residue mobility, and thermodynamic stability) performed at Invitae indicates that this missense variant is expected to disrupt ASPA protein function. In summary, the available evidence is currently insufficient to determine the role of this variant in disease. Therefore, it has been classified as a Variant of Uncertain Significance.